The following is an entry in ClinVar:

ClinVar aggregate classification (germline): Uncertain significance. Review status: criteria provided, multiple submitters, no conflicts (2 of 4 stars). 2 submissions from 2 submitters: Uncertain significance (2). Last evaluated 2024-10-30.

Conditions:
RAI1-related disorder. Also called: RAI1-related condition.

Submissions (2):

PreventionGenetics, part of Exact Sciences
Classification: Uncertain significance for RAI1-related condition. Last evaluated: 2024-10-30. Review status: criteria provided, single submitter. Criteria: ACMG Guidelines, 2015. Collection method: clinical testing. Allele origin: germline.
Comment: The RAI1 c.3218G>A variant is predicted to result in the amino acid substitution p.Gly1073Asp. To our knowledge, this variant has not been reported in the literature or in a large population database, indicating this variant is rare. At this time, the clinical significance of this variant is uncertain due to the absence of conclusive functional and genetic evidence.

Labcorp Genetics (formerly Invitae), Labcorp
Classification: Uncertain significance. Last evaluated: 2024-10-04. Review status: criteria provided, single submitter. Criteria: Invitae Variant Classification Sherloc (09022015). Collection method: clinical testing. Allele origin: germline.
Comment: This sequence change replaces glycine, which is neutral and non-polar, with aspartic acid, which is acidic and polar, at codon 1073 of the RAI1 protein (p.Gly1073Asp). This variant is not present in population databases (gnomAD no frequency). This variant has not been reported in the literature in individuals affected with RAI1-related conditions. Invitae Evidence Modeling of protein sequence and biophysical properties (such as structural, functional, and spatial information, amino acid conservation, physicochemical variation, residue mobility, and thermodynamic stability) indicates that this missense variant is not expected to disrupt RAI1 protein function with a negative predictive value of 80%. In summary, the available evidence is currently insufficient to determine the role of this variant in disease. Therefore, it has been classified as a Variant of Uncertain Significance.

NM_030665.4(RAI1):c.3218G>A (p.Gly1073Asp)

Gene: RAI1 (retinoic acid induced 1; plus strand). Cytogenetic location: 17p11.2.
Variant type: single nucleotide variant.
Coding change: c.3218G>A on transcript NM_030665.4 (MANE Select); coding-DNA position 3218, G replaced by A.
Protein change: p.Gly1073Asp; replaces glycine 1073 with aspartic acid.
Molecular consequence: missense variant.
Genome position (GRCh38, 1-based): chr17:17,796,166, G>A. VCF-style: chr17-17796166-G-A. GRCh37 (hg19) VCF-style: chr17-17699480-G-A.
Other names: c.3218G>A (NM_030665.3); short protein forms G1073D.
Identifiers: ClinVar variation 3690568 (VCV003690568.3).
Genomic context (GRCh38, chr17:17,796,166, plus strand): 5'-CCAGGATGTGTACTCGTTCTCTCACGGCCCTGAGTGAGCCCCGCACGCCCGGACCCCCAG[G>A]CCTGACCACCACCCCTGCACCCCCAGACAAACTGGGGGGCAAGCAGCGAGCCGCCTTCAA-3'
Protein context (NP_109590.3, residues 1063-1083): LSEPRTPGPP[Gly1073Asp]LTTTPAPPDK